The following is an entry in ClinVar:

NM_005732.4(RAD50):c.2198T>C (p.Val733Ala)

Gene: RAD50 (RAD50 double strand break repair protein; plus strand). Cytogenetic location: 5q31.1.
Variant type: single nucleotide variant.
Coding change: c.2198T>C on transcript NM_005732.4 (MANE Select); coding-DNA position 2198, T replaced by C.
Protein change: p.Val733Ala; replaces valine 733 with alanine.
Molecular consequence: missense variant.
Genome position (GRCh38, 1-based): chr5:132,595,801, T>C. VCF-style: chr5-132595801-T-C. GRCh37 (hg19) VCF-style: chr5-131931493-T-C.
Other names: short protein forms V733A.
Identifiers: ClinVar variation 482154 (VCV000482154.15), dbSNP rs1554098721, ClinGen allele CA360950885.

ClinVar aggregate classification (germline): Uncertain significance. Review status: criteria provided, multiple submitters, no conflicts (2 of 4 stars). 2 submissions from 2 submitters: Uncertain significance (2). Last evaluated 2019-03-31.

Conditions:
Hereditary cancer-predisposing syndrome. Also called: Neoplastic Syndromes, Hereditary; Tumor predisposition; Hereditary Cancer Syndrome; Hereditary neoplastic syndrome. Identifiers: Orphanet 140162, MedGen C0027672, MeSH D009386, MONDO:0015356.

Allele frequency attached by ClinVar (database versions not stated): gnomAD exomes below 0.00001.
gnomAD v4.1: 1 of 1,604,096 alleles (0.000062%); highest among the groups gnomAD compares: Non-Finnish European, 0.000085%; no homozygotes.

Submissions (2):

Labcorp Genetics (formerly Invitae), Labcorp
Classification: Uncertain significance for Hereditary cancer-predisposing syndrome. Last evaluated: 2019-03-31. Review status: criteria provided, single submitter. Criteria: Invitae Variant Classification Sherloc (09022015). Collection method: clinical testing. Allele origin: germline.
Comment: Algorithms developed to predict the effect of missense changes on protein structure and function (SIFT, PolyPhen-2, Align-GVGD) all suggest that this variant is likely to be tolerated, but these predictions have not been confirmed by published functional studies and their clinical significance is uncertain. This sequence change replaces valine with alanine at codon 733 of the RAD50 protein (p.Val733Ala). The valine residue is weakly conserved and there is a small physicochemical difference between valine and alanine. This variant is not present in population databases (ExAC no frequency). This variant has not been reported in the literature in individuals with RAD50-related conditions. ClinVar contains an entry for this variant (Variation ID: 482154). In summary, the available evidence is currently insufficient to determine the role of this variant in disease. Therefore, it has been classified as a Variant of Uncertain Significance.

Ambry Genetics
Classification: Uncertain significance for Hereditary cancer-predisposing syndrome. Last evaluated: 2017-06-28. Review status: criteria provided, single submitter. Criteria: Ambry Variant Classification Scheme 2023. Collection method: clinical testing. Allele origin: germline.
Comment: The p.V733A variant (also known as c.2198T>C), located in coding exon 13 of the RAD50 gene, results from a T to C substitution at nucleotide position 2198. The valine at codon 733 is replaced by alanine, an amino acid with similar properties. This amino acid position is not well conserved in available vertebrate species. In addition, this alteration is predicted to be tolerated by in silico analysis. Since supporting evidence is limited at this time, the clinical significance of this alteration remains unclear.